The following is an entry in ClinVar:

ClinVar aggregate classification (germline): Uncertain significance. Review status: criteria provided, multiple submitters, no conflicts (2 of 4 stars). 3 submissions from 3 submitters: Uncertain significance (3). Last evaluated 2023-12-17.

Conditions:
Spermatogenic failure 18. Identifiers: MedGen C4539783, MONDO:0054615, OMIM 617576.
Ciliary dyskinesia, primary, 37 (CILD37). Also called: CILIARY DYSKINESIA, PRIMARY, 37, WITH OR WITHOUT SITUS INVERSUS. Identifiers: MedGen C4539798, MONDO:0033204, OMIM 617577.

Allele frequency attached by ClinVar (database versions not stated): gnomAD exomes below 0.00001; gnomAD 0.00001; TOPMed 0.00005.
gnomAD v4.1: 10 of 1,578,394 alleles (0.00063%); highest among the groups gnomAD compares: Non-Finnish European, 0.00069%; no homozygotes.

Submissions (3):

Ambry Genetics
Classification: Uncertain significance. Last evaluated: 2023-12-17. Review status: criteria provided, single submitter. Criteria: Ambry Variant Classification Scheme 2023. Collection method: clinical testing. Allele origin: germline.

Blueprint Genetics
Classification: Uncertain significance. Last evaluated: 2022-11-15. Review status: criteria provided, single submitter. Criteria: ACMG Guidelines, 2015. Collection method: clinical testing. Allele origin: germline.

Labcorp Genetics (formerly Invitae), Labcorp
Classification: Uncertain significance for Ciliary dyskinesia, primary, 37; Spermatogenic failure 18. Last evaluated: 2022-03-18. Review status: criteria provided, single submitter. Criteria: Invitae Variant Classification Sherloc (09022015). Collection method: clinical testing. Allele origin: germline.
Comment: This sequence change replaces aspartic acid, which is acidic and polar, with glycine, which is neutral and non-polar, at codon 130 of the DNAH1 protein (p.Asp130Gly). The frequency data for this variant in the population databases is considered unreliable, as metrics indicate poor data quality at this position in the gnomAD database. This variant has not been reported in the literature in individuals affected with DNAH1-related conditions. Algorithms developed to predict the effect of missense changes on protein structure and function are either unavailable or do not agree on the potential impact of this missense change (SIFT: "Deleterious"; PolyPhen-2: "Benign"; Align-GVGD: "Class C0"). In summary, the available evidence is currently insufficient to determine the role of this variant in disease. Therefore, it has been classified as a Variant of Uncertain Significance.

NM_015512.5(DNAH1):c.389A>G (p.Asp130Gly)

Gene: DNAH1 (dynein axonemal heavy chain 1; plus strand). Cytogenetic location: 3p21.1.
Variant type: single nucleotide variant.
Coding change: c.389A>G on transcript NM_015512.5 (MANE Select); coding-DNA position 389, A replaced by G.
Protein change: p.Asp130Gly; replaces aspartic acid 130 with glycine.
Molecular consequence: missense variant.
Genome position (GRCh38, 1-based): chr3:52,323,863, A>G. VCF-style: chr3-52323863-A-G. GRCh37 (hg19) VCF-style: chr3-52357879-A-G.
Other names: c.389A>G (NM_015512.4); short protein forms D130G.
Identifiers: ClinVar variation 2046195 (VCV002046195.3), dbSNP rs961986537, ClinGen allele CA74751865.